The following is an entry in ClinVar:

NM_012330.4(KAT6B):c.709_710delinsGT (p.Cys237Val)

Gene: KAT6B (lysine acetyltransferase 6B; plus strand). Cytogenetic location: 10q22.2.
Variant type: Indel.
Coding change: c.709_710delinsGT on transcript NM_012330.4 (MANE Select); coding-DNA positions 709 to 710, TG replaced by GT.
Protein change: p.Cys237Val; replaces cysteine 237 with valine.
Molecular consequence: missense variant.
Genome position (GRCh38, 1-based): chr10:74,960,057-74,960,058, TG replaced by GT. VCF-style: chr10-74960057-TG-GT. GRCh37 (hg19) VCF-style: chr10-76719815-TG-GT.
Other names: c.709_710delinsGT, p.Cys237Val (NM_001256468.2, NM_001256469.2, NM_001370132.1 and 10 more transcripts); c.171_172delinsGT, p.Val58Leu (NM_001370134.1, NM_001370135.1); short protein forms C237V, V58L.
Identifiers: ClinVar variation 2819451 (VCV002819451.3), dbSNP rs2548879534, ClinGen allele CA2739275841.
Genomic context (GRCh38, chr10:74,960,057, plus strand): 5'-AGCTTCTGTTTGGGGACTAAAGAATCAAATCGTGAAAAGAAACCAGAAGAACTCCTCTCT[TG>GT]TGCAGATTGTGGCAGTAGTGGTAAGTTGTGTTTTTCCTATGTGTTGTACAATGACTTCCC-3'
Protein context (NP_036462.2, residues 227-247): REKKPEELLS[Cys237Val]ADCGSSGHPS

ClinVar aggregate classification (germline): Uncertain significance (1 of 4 stars; one submission).

Conditions:
Genitopatellar syndrome (GTPTS). Also called: Genitopatellar syndrome (GPS); ABSENT PATELLAE, SCROTAL HYPOPLASIA, RENAL ANOMALIES, FACIAL DYSMORPHISM, AND MENTAL RETARDATION. Identifiers: Orphanet 85201, MedGen C1853566, MONDO:0011640, OMIM 606170.

Submission:

Labcorp Genetics (formerly Invitae), Labcorp
Classification: Uncertain significance for Genitopatellar syndrome. Last evaluated: 2022-12-08. Review status: criteria provided, single submitter. Criteria: Invitae Variant Classification Sherloc (09022015). Collection method: clinical testing. Allele origin: germline.
Comment: Information on the frequency of this variant in the gnomAD database is not available, as this variant may be reported differently in the database. In summary, the available evidence is currently insufficient to determine the role of this variant in disease. Therefore, it has been classified as a Variant of Uncertain Significance. Algorithms developed to predict the effect of missense changes on protein structure and function are either unavailable or do not agree on the potential impact of this missense change (SIFT: "Not Available"; PolyPhen-2: "Probably Damaging"; Align-GVGD: "Not Available"). This variant has not been reported in the literature in individuals affected with KAT6B-related conditions. This sequence change replaces cysteine, which is neutral and slightly polar, with valine, which is neutral and non-polar, at codon 237 of the KAT6B protein (p.Cys237Val).